The following is an entry in ClinVar:

NM_006361.6(HOXB13):c.511T>C (p.Ser171Pro)

Gene: HOXB13 (homeobox B13; minus strand). Cytogenetic location: 17q21.32.
Variant type: single nucleotide variant.
Coding change: c.511T>C on transcript NM_006361.6 (MANE Select); coding-DNA position 511, T replaced by C.
Protein change: p.Ser171Pro; replaces serine 171 with proline.
Molecular consequence: missense variant.
Genome position (GRCh38, 1-based): chr17:48,728,083, A>G on the plus strand (T>C on the coding strand, the complement: HOXB13 is on the minus strand). VCF-style: chr17-48728083-A-G. GRCh37 (hg19) VCF-style: chr17-46805445-A-G.
Other names: c.511T>C (NM_006361.5); short protein forms S171P.
Identifiers: ClinVar variation 1489735 (VCV001489735.8), dbSNP rs1360003941, ClinGen allele CA400107298.
Genomic context (GRCh38, chr17:48,728,083, plus strand): 5'-GTGGGTTCTGTTCTCCCTGGCAACACATCTGGCTGTTCCAGCCACCAGCGAGAGCCCAAG[A>G]CTGGTAACTGTCCACAGGCAACAGGGAGTCATGTCGCGGTTCTCCAGGAGCACCCAGAGT-3'
Protein context (NP_006352.2, residues 161-181): DSLLPVDSYQ[Ser171Pro]WALAGGWNSQ

ClinVar aggregate classification (germline): Conflicting classifications of pathogenicity. Review status: criteria provided, conflicting classifications (1 of 4 stars). 2 submissions from 2 submitters: Uncertain significance (1); Likely benign (1). Last evaluated 2025-09-24.

Conditions:
Hereditary cancer-predisposing syndrome. Also called: Tumor predisposition; Hereditary neoplastic syndrome; Neoplastic Syndromes, Hereditary; Hereditary Cancer Syndrome. Identifiers: Orphanet 140162, MedGen C0027672, MeSH D009386, MONDO:0015356.

Allele frequency attached by ClinVar (database versions not stated): gnomAD exomes below 0.00001.
gnomAD v4.1: 2 of 1,614,150 alleles (0.00012%); highest among the groups gnomAD compares: Non-Finnish European, 0.00017%; no homozygotes.

Submissions (2):

Ambry Genetics
Classification: Likely benign for Hereditary cancer-predisposing syndrome. Last evaluated: 2025-09-24. Review status: criteria provided, single submitter. Criteria: Ambry Variant Classification Scheme 2023. Collection method: clinical testing. Allele origin: germline.

Labcorp Genetics (formerly Invitae), Labcorp
Classification: Uncertain significance. Last evaluated: 2023-12-27. Review status: criteria provided, single submitter. Criteria: Invitae Variant Classification Sherloc (09022015). Collection method: clinical testing. Allele origin: germline.
Comment: This sequence change replaces serine, which is neutral and polar, with proline, which is neutral and non-polar, at codon 171 of the HOXB13 protein (p.Ser171Pro). This variant is present in population databases (no rsID available, gnomAD 0.0009%). This variant has not been reported in the literature in individuals affected with HOXB13-related conditions. ClinVar contains an entry for this variant (Variation ID: 1489735). Advanced modeling of protein sequence and biophysical properties (such as structural, functional, and spatial information, amino acid conservation, physicochemical variation, residue mobility, and thermodynamic stability) performed at Invitae indicates that this missense variant is not expected to disrupt HOXB13 protein function with a negative predictive value of 80%. In summary, the available evidence is currently insufficient to determine the role of this variant in disease. Therefore, it has been classified as a Variant of Uncertain Significance.